The following is an entry in ClinVar:

NM_018718.3(CEP41):c.*1567A>C

Gene: CEP41 (centrosomal protein 41; minus strand). Cytogenetic location: 7q32.2.
Variant type: single nucleotide variant.
Coding change: c.*1567A>C on transcript NM_018718.3 (MANE Select); 1567 bases downstream of the stop codon, A replaced by C.
Molecular consequence: 3 prime UTR variant. On other transcripts: non-coding transcript variant (1).
Genome position (GRCh38, 1-based): chr7:130,397,324, T>G on the plus strand (A>C on the coding strand, the complement: CEP41 is on the minus strand). VCF-style: chr7-130397324-T-G. GRCh37 (hg19) VCF-style: chr7-130037165-T-G.
Other names: c.*1567A>C (NM_001257158.2, NM_001257159.2).
Identifiers: ClinVar variation 911027 (VCV000911027.4), dbSNP rs139085191, ClinGen allele CA4485246.

ClinVar aggregate classification (germline): Likely benign (1 of 4 stars; one submission).

Conditions:
Joubert syndrome 15 (JBTS15). Identifiers: Orphanet 475, MedGen C3280897, MONDO:0013763, OMIM 614464.

Allele frequency attached by ClinVar (database versions not stated): ExAC 0.00016; gnomAD 0.00047 and 0.00075; TOPMed 0.00074; gnomAD exomes 0.00075 and 0.00166; 1000 Genomes Project 30x 0.00406; 1000 Genomes Project 0.00479.
gnomAD v4.1: 336 of 454,492 alleles (0.074%); highest among the groups gnomAD compares: East Asian, 2.2%; 2 homozygotes.

Submission:

Illumina Laboratory Services, Illumina
Classification: Likely benign for Joubert syndrome 15. Last evaluated: 2018-01-12. Review status: criteria provided, single submitter. Criteria: ICSL Variant Classification Criteria 13 December 2019. Collection method: clinical testing. Allele origin: germline.
Comment: This variant was observed in the ICSL laboratory as part of a predisposition screen in an ostensibly healthy population. It had not been previously curated by ICSL or reported in the Human Gene Mutation Database (HGMD: prior to June 1st, 2018), and was therefore a candidate for classification through an automated scoring system. Utilizing variant allele frequency, disease prevalence and penetrance estimates, and inheritance mode, an automated score was calculated to assess if this variant is too frequent to cause the disease. Based on the score and internal cut-off values, a variant classified as likely benign is not then subjected to further curation. The score for this variant resulted in a classification of likely benign for this disease.